The following is an entry in ClinVar:

NM_004370.6(COL12A1):c.6728C>A (p.Thr2243Lys)

Gene: COL12A1 (collagen type XII alpha 1 chain; minus strand). Cytogenetic location: 6q13.
Variant type: single nucleotide variant.
Coding change: c.6728C>A on transcript NM_004370.6 (MANE Select); coding-DNA position 6728, C replaced by A.
Protein change: p.Thr2243Lys; replaces threonine 2243 with lysine.
Molecular consequence: missense variant.
Genome position (GRCh38, 1-based): chr6:75,124,091, G>T on the plus strand (C>A on the coding strand, the complement: COL12A1 is on the minus strand). VCF-style: chr6-75124091-G-T. GRCh37 (hg19) VCF-style: chr6-75833807-G-T.
Other names: c.3236C>A, p.Thr1079Lys (NM_080645.3); short protein forms T2243K, T1079K.
Identifiers: ClinVar variation 2118984 (VCV002118984.4), dbSNP rs746250737, ClinGen allele CA364728742.

ClinVar aggregate classification (germline): Uncertain significance (1 of 4 stars; one submission).

Conditions:
Ullrich congenital muscular dystrophy 2 (UCMD2). Identifiers: Orphanet 75840, MedGen C4225314, MONDO:0014654, OMIM 616470.
Bethlem myopathy 2 (BTHLM2). Identifiers: Orphanet 536516, Orphanet 610, MedGen C4225313, MONDO:0034022, OMIM 616471.

gnomAD v4.1: 3 of 1,612,394 alleles (0.00019%); highest among the groups gnomAD compares: East Asian, 0.0022%; no homozygotes.

Submission:

Labcorp Genetics (formerly Invitae), Labcorp
Classification: Uncertain significance for Bethlem myopathy 2; Ullrich congenital muscular dystrophy 2. Last evaluated: 2022-03-28. Review status: criteria provided, single submitter. Criteria: Invitae Variant Classification Sherloc (09022015). Collection method: clinical testing. Allele origin: germline.
Comment: This variant has not been reported in the literature in individuals affected with COL12A1-related conditions. This variant is present in population databases (no rsID available, gnomAD 0.0009%). This sequence change replaces threonine, which is neutral and polar, with lysine, which is basic and polar, at codon 2243 of the COL12A1 protein (p.Thr2243Lys). Algorithms developed to predict the effect of missense changes on protein structure and function are either unavailable or do not agree on the potential impact of this missense change (SIFT: "Deleterious"; PolyPhen-2: "Possibly Damaging"; Align-GVGD: "Class C0"). In summary, the available evidence is currently insufficient to determine the role of this variant in disease. Therefore, it has been classified as a Variant of Uncertain Significance.